The following is an entry in ClinVar:

ClinVar aggregate classification (germline): Likely benign (1 of 4 stars; one submission).

Submission:

GeneDx
Classification: Likely benign. Last evaluated: 2017-10-19. Review status: criteria provided, single submitter. Criteria: GeneDx Variant Classification (06012015). Collection method: clinical testing. Allele origin: germline. Affected: yes.
Comment: This variant is considered likely benign or benign based on one or more of the following criteria: it is a conservative change, it occurs at a poorly conserved position in the protein, it is predicted to be benign by multiple in silico algorithms, and/or has population frequency not consistent with disease.

NM_020822.3(KCNT1):c.3612G>A (p.Leu1204=)

Gene: KCNT1 (potassium sodium-activated channel subfamily T member 1; plus strand). Cytogenetic location: 9q34.3.
Variant type: single nucleotide variant.
Coding change: c.3612G>A on transcript NM_020822.3 (MANE Select); coding-DNA position 3612, G replaced by A.
Protein change: p.Leu1204=; no amino-acid change (leucine 1204 retained).
Molecular consequence: synonymous variant.
Genome position (GRCh38, 1-based): chr9:135,792,065, G>A. VCF-style: chr9-135792065-G-A. GRCh37 (hg19) VCF-style: chr9-138683911-G-A.
Other names: c.3540G>A, p.Leu1180= (NM_001272003.2).
Identifiers: ClinVar variation 512828 (VCV000512828.1), dbSNP rs1554782422, ClinGen allele CA467701248.